The following is an entry in ClinVar:

ClinVar aggregate classification (germline): Pathogenic (1 of 4 stars; one submission).

gnomAD v4.1: 5 of 1,596,050 alleles (0.00031%); highest among the groups gnomAD compares: Non-Finnish European, 0.00043%; no homozygotes.

Submission:

Labcorp Genetics (formerly Invitae), Labcorp
Classification: Pathogenic. Last evaluated: 2025-09-04. Review status: criteria provided, single submitter. Criteria: Invitae Variant Classification Sherloc (09022015). Collection method: clinical testing. Allele origin: germline.
Comment: This sequence change creates a premature translational stop signal (p.Gln627*) in the C2CD3 gene. It is expected to result in an absent or disrupted protein product. Loss-of-function variants in C2CD3 are known to be pathogenic (PMID: 24997988, 26477546). This variant is not present in population databases (gnomAD no frequency). This variant has not been reported in the literature in individuals affected with C2CD3-related conditions. For these reasons, this variant has been classified as Pathogenic.

Literature cited by the submitters: PubMed 24997988; PubMed 26477546.

NM_001286577.2(C2CD3):c.1879C>T (p.Gln627Ter)

Gene: C2CD3 (C2 domain containing 3 centriole elongation regulator; minus strand). Cytogenetic location: 11q13.4.
Variant type: single nucleotide variant.
Coding change: c.1879C>T on transcript NM_001286577.2 (MANE Select); coding-DNA position 1879, C replaced by T.
Protein change: p.Gln627Ter; replaces glutamine 627 with a stop codon.
Molecular consequence: nonsense.
Genome position (GRCh38, 1-based): chr11:74,109,117, G>A on the plus strand (C>T on the coding strand, the complement: C2CD3 is on the minus strand). VCF-style: chr11-74109117-G-A. GRCh37 (hg19) VCF-style: chr11-73820162-G-A.
Other names: c.1879C>T, p.Gln627Ter (NM_015531.6); short protein forms Q627*.
Identifiers: ClinVar variation 4738012 (VCV004738012.1).
Genomic context (GRCh38, chr11:74,109,117, plus strand): 5'-CATAAATTTGGAAAGTGAGGTTGGAATTCCACCAGTGCTCTATCATTGGGCCACCAAACT[G>A]TACTGGAAACACAAATCGCTGCTGGAACTTCACCTCTGTAAGGAGAACCAGACACACAGA-3'